The following is an entry in ClinVar:

ClinVar aggregate classification (germline): Uncertain significance. Review status: criteria provided, multiple submitters, no conflicts (2 of 4 stars). 2 submissions from 2 submitters: Uncertain significance (2). Last evaluated 2025-09-22.

Conditions:
Inborn genetic diseases. Identifiers: MedGen C0950123, MeSH D030342.

Allele frequency attached by ClinVar (database versions not stated): gnomAD 0.00004; ExAC 0.00005; gnomAD exomes 0.00005; TOPMed 0.00005.
gnomAD v4.1: 81 of 1,613,472 alleles (0.005%); highest among the groups gnomAD compares: Middle Eastern, 0.016%; no homozygotes.

Submissions (2):

Ambry Genetics
Classification: Uncertain significance for Inborn genetic diseases. Last evaluated: 2025-09-22. Review status: criteria provided, single submitter. Criteria: Ambry Variant Classification Scheme 2023. Collection method: clinical testing. Allele origin: germline.

Labcorp Genetics (formerly Invitae), Labcorp
Classification: Uncertain significance. Last evaluated: 2024-05-02. Review status: criteria provided, single submitter. Criteria: Invitae Variant Classification Sherloc (09022015). Collection method: clinical testing. Allele origin: germline.
Comment: This sequence change replaces valine, which is neutral and non-polar, with isoleucine, which is neutral and non-polar, at codon 433 of the TOPORS protein (p.Val433Ile). This variant is present in population databases (rs200877916, gnomAD 0.02%). This variant has not been reported in the literature in individuals affected with TOPORS-related conditions. ClinVar contains an entry for this variant (Variation ID: 2190707). An algorithm developed to predict the effect of missense changes on protein structure and function (PolyPhen-2) suggests that this variant is likely to be disruptive. In summary, the available evidence is currently insufficient to determine the role of this variant in disease. Therefore, it has been classified as a Variant of Uncertain Significance.

NM_005802.5(TOPORS):c.1297G>A (p.Val433Ile)

Gene: TOPORS (TOP1 binding arginine/serine rich protein, E3 ubiquitin ligase; minus strand). Cytogenetic location: 9p21.1.
Variant type: single nucleotide variant.
Coding change: c.1297G>A on transcript NM_005802.5 (MANE Select); coding-DNA position 1297, G replaced by A.
Protein change: p.Val433Ile; replaces valine 433 with isoleucine.
Molecular consequence: missense variant.
Genome position (GRCh38, 1-based): chr9:32,543,228, C>T on the plus strand (G>A on the coding strand, the complement: TOPORS is on the minus strand). VCF-style: chr9-32543228-C-T. GRCh37 (hg19) VCF-style: chr9-32543226-C-T.
Other names: c.1102G>A, p.Val368Ile (NM_001195622.2); c.1297G>A (NM_005802.4); short protein forms V368I, V433I.
Identifiers: ClinVar variation 2190707 (VCV002190707.5), dbSNP rs200877916, ClinGen allele CA5020541.